The following is an entry in ClinVar:

NC_000023.10:g.(?_31893285)_(31947882_?)del

Gene: DMD (dystrophin; minus strand). Cytogenetic location: Xp21.1.
Variant type: Deletion.
Identifiers: ClinVar variation 2424917 (VCV002424917.5).

ClinVar aggregate classification (germline): Pathogenic (1 of 4 stars; one submission).

Conditions:
Duchenne muscular dystrophy (DMD). Also called: Duchenne Muscular Dystrophy (DMD); MUSCULAR DYSTROPHY, PSEUDOHYPERTROPHIC PROGRESSIVE, DUCHENNE TYPE. Identifiers: Orphanet 98896, MedGen C0013264, MONDO:0010679, OMIM 310200.

Submission:

Labcorp Genetics (formerly Invitae), Labcorp
Classification: Pathogenic for Duchenne muscular dystrophy. Last evaluated: 2022-09-13. Review status: criteria provided, single submitter. Criteria: Invitae Variant Classification Sherloc (09022015). Collection method: clinical testing. Allele origin: germline.
Comment: For these reasons, this variant has been classified as Pathogenic. This variant disrupts a region of the DMD protein in which other variant(s) (Deletion (Exon 48)) have been determined to be pathogenic (PMID: 2063877, 9007319, 25482253, 28247318). This suggests that this is a clinically significant region of the protein, and that variants that disrupt it are likely to be disease-causing. A similar copy number variant has been observed in individuals with Becker muscular dystrophy (PMID: 9619643, 20031633, 21896784). This variant is a gross deletion of the genomic region encompassing exon(s) 47-48 of the DMD gene. This variant would be expected to be in-frame, preserving the integrity of the reading frame.

Literature cited by the submitters: PubMed 2063877; PubMed 9007319; PubMed 25482253; PubMed 28247318; PubMed 9619643; PubMed 20031633; PubMed 21896784.